The following is an entry in ClinVar:

NM_016284.5(CNOT1):c.5106G>A (p.Gly1702=)

Gene: CNOT1 (CCR4-NOT transcription complex subunit 1; minus strand). Cytogenetic location: 16q21.
Variant type: single nucleotide variant.
Coding change: c.5106G>A on transcript NM_016284.5 (MANE Select); coding-DNA position 5106, G replaced by A.
Protein change: p.Gly1702=; no amino-acid change (glycine 1702 retained).
Molecular consequence: synonymous variant. On other transcripts: non-coding transcript variant (1).
Genome position (GRCh38, 1-based): chr16:58,538,801, C>T on the plus strand (G>A on the coding strand, the complement: CNOT1 is on the minus strand). VCF-style: chr16-58538801-C-T. GRCh37 (hg19) VCF-style: chr16-58572705-C-T.
Other names: c.5091G>A, p.Gly1697= (NM_001265612.2).
Identifiers: ClinVar variation 2162821 (VCV002162821.11), dbSNP rs141722267, ClinGen allele CA8088950.

ClinVar aggregate classification (germline): Likely benign. Review status: criteria provided, multiple submitters, no conflicts (2 of 4 stars). 3 submissions from 3 submitters: Likely benign (3). Last evaluated 2026-05-01.

Allele frequency attached by ClinVar (database versions not stated): TOPMed 0.00006; gnomAD 0.00007; gnomAD exomes 0.00011; ExAC 0.00012; ESP Exome Variant Server 0.00015.
gnomAD v4.1: 171 of 1,612,556 alleles (0.011%); highest among the groups gnomAD compares: Non-Finnish European, 0.013%; no homozygotes.

Submissions (3):

CeGaT Center for Human Genetics Tuebingen
Classification: Likely benign. Last evaluated: 2026-05-01. Review status: criteria provided, single submitter. Criteria: CeGaT Center For Human Genetics Tuebingen Variant Classification Criteria Version 2. Collection method: clinical testing. Allele origin: germline. Affected: yes. Observed: 2 variant alleles.
Comment: CNOT1: BP4, BP7

Blueprint Genetics
Classification: Likely benign. Last evaluated: 2024-11-20. Review status: criteria provided, single submitter. Criteria: ACMG Guidelines, 2015. Collection method: clinical testing. Allele origin: germline.

Labcorp Genetics (formerly Invitae), Labcorp
Classification: Likely benign. Last evaluated: 2024-11-07. Review status: criteria provided, single submitter. Criteria: Invitae Variant Classification Sherloc (09022015). Collection method: clinical testing. Allele origin: germline.